The following is an entry in ClinVar:

NM_000245.4(MET):c.1113C>T (p.Asn371=)

Gene: MET (MET proto-oncogene, receptor tyrosine kinase; plus strand). Cytogenetic location: 7q31.2.
Variant type: single nucleotide variant.
Coding change: c.1113C>T on transcript NM_000245.4 (MANE Select); coding-DNA position 1113, C replaced by T.
Protein change: p.Asn371=; no amino-acid change (asparagine 371 retained).
Molecular consequence: synonymous variant. On other transcripts: intron variant (1).
Genome position (GRCh38, 1-based): chr7:116,700,197, C>T. VCF-style: chr7-116700197-C-T. GRCh37 (hg19) VCF-style: chr7-116340251-C-T.
Other names: c.1113C>T, p.Asn371= (NM_001127500.3, NM_001324401.3); c.-91+27620C>T (NM_001324402.2); c.1113C>T (NM_001127500.2).
Identifiers: ClinVar variation 416936 (VCV000416936.17), dbSNP rs772014416, ClinGen allele CA4448071.

ClinVar aggregate classification (germline): Benign/Likely benign. Review status: criteria provided, multiple submitters, no conflicts (2 of 4 stars). 5 submissions from 5 submitters: Benign (1); Likely benign (4). Last evaluated 2026-02-02.

Conditions:
MET-related disorder. Also called: MET-related condition.
Renal cell carcinoma. Identifiers: Orphanet 217071, MedGen C0007134, MeSH D002292, MONDO:0005086, HP:0005584.
Hereditary cancer-predisposing syndrome. Also called: Hereditary Cancer Syndrome; Tumor predisposition; Hereditary neoplastic syndrome; Neoplastic Syndromes, Hereditary. Identifiers: Orphanet 140162, MedGen C0027672, MeSH D009386, MONDO:0015356.
Papillary renal cell carcinoma type 1 (RCCP1). Also called: Renal adenocarcinoma; Renal cell carcinoma 1; Renal cell carcinoma, somatic; RENAL CELL CARCINOMA, PAPILLARY, 1, SOMATIC. Identifiers: Orphanet 47044, MedGen C1336839, OMIM 605074, HP:0011797.

Allele frequency attached by ClinVar (database versions not stated): gnomAD 0.00001; TOPMed 0.00002; gnomAD exomes 0.00003; ExAC 0.00004.
gnomAD v4.1: 30 of 1,592,648 alleles (0.0019%); highest among the groups gnomAD compares: Admixed American, 0.0073%; no homozygotes.

Submissions (5):

Labcorp Genetics (formerly Invitae), Labcorp
Classification: Likely benign for Renal cell carcinoma. Last evaluated: 2026-02-02. Review status: criteria provided, single submitter. Criteria: Invitae Variant Classification Sherloc (09022015). Collection method: clinical testing. Allele origin: germline.

Myriad Genetics, Inc.
Classification: Benign for Papillary renal cell carcinoma type 1. Last evaluated: 2024-11-07. Review status: criteria provided, single submitter. Criteria: Myriad Autosomal Dominant, Autosomal Recessive and X-Linked Classification Criteria (2023). Collection method: clinical testing. Allele origin: unknown.
Comment: This variant is considered benign. This variant is a silent/synonymous amino acid change and it is not expected to impact splicing.

PreventionGenetics, part of Exact Sciences
Classification: Likely benign for MET-related condition. Last evaluated: 2024-10-10. Review status: criteria provided, single submitter. Criteria: ACMG Guidelines, 2015. Collection method: clinical testing. Allele origin: germline.
Comment: This variant is classified as likely benign based on ACMG/AMP sequence variant interpretation guidelines (Richards et al. 2015 PMID: 25741868, with internal and published modifications).

Sema4
Classification: Likely benign for Hereditary cancer-predisposing syndrome. Last evaluated: 2020-10-07. Review status: criteria provided, single submitter. Criteria: Sema4 Curation Guidelines. Collection method: curation. Allele origin: germline.

Ambry Genetics
Classification: Likely benign for Hereditary cancer-predisposing syndrome. Last evaluated: 2015-09-15. Review status: criteria provided, single submitter. Criteria: Ambry Variant Classification Scheme 2023. Collection method: clinical testing. Allele origin: germline.